The following is an entry in ClinVar:

ClinVar aggregate classification (germline): Pathogenic/Likely pathogenic. Review status: criteria provided, multiple submitters, no conflicts (2 of 4 stars). 13 submissions from 13 submitters: Pathogenic (11); Likely pathogenic (1). 1 of the submissions does not count toward it. Last evaluated 2026-09-11.

Conditions:
DHCR7-related disorder. Also called: DHCR7-related condition.
Inborn genetic diseases. Identifiers: MedGen C0950123, MeSH D030342.
Smith-Lemli-Opitz syndrome (SLOS). Also called: POLYDACTYLY, SEX REVERSAL, RENAL HYPOPLASIA, AND UNILOBAR LUNG; LETHAL ACRODYSGENITAL SYNDROME; RSH SYNDROME; RUTLEDGE LETHAL MULTIPLE CONGENITAL ANOMALY SYNDROME; 7-Dehydrocholesterol reductase deficiency. Identifiers: Orphanet 818, MedGen C0175694, MONDO:0010035, OMIM 270400.

Allele frequency attached by ClinVar (database versions not stated): gnomAD 0.00001; TOPMed 0.00007; gnomAD exomes 0.00010 and 0.00003; ExAC 0.00004.
gnomAD v4.1: 49 of 1,613,210 alleles (0.003%); highest among the groups gnomAD compares: Admixed American, 0.053%; no homozygotes.

Submissions (13):

PreventionGenetics, part of Exact Sciences
Classification: Pathogenic for DHCR7-related condition. Last evaluated: 2026-09-11. Review status: criteria provided, single submitter. Criteria: ACMG Guidelines, 2015. Collection method: clinical testing. Allele origin: germline.
Comment: The DHCR7 c.841G>A variant is predicted to result in the amino acid substitution p.Val281Met. This variant has been reported to be causative for autosomal recessive Smith-Lemli-Opitz syndrome (Witsch-Baumgartner et al. 2000. PubMed ID: 10677299; Waye et al. 2007. PubMed ID: 17441222; Nowaczyk et al. 2012. PubMed ID: 22438180). This variant has also been reported in an individual from an autism cohort (Table S2 in Saskin et al. 2017. PubMed ID: 28250423). This variant is reported in 0.064% of alleles in individuals of Latino descent in gnomAD. This variant is interpreted as pathogenic.

Dasa
Classification: Pathogenic. Last evaluated: 2026-04-01. Review status: criteria provided, single submitter. Criteria: DASA Assertion Criteria. Collection method: clinical testing. Allele origin: germline.
Comment: NM_001360.3(DHCR7):c.841G>A (p.Val281Met) is a missense variant that results in the substitution of valine with methionine. This variant has been observed in affected individuals with related phenotype in a genotype context consistent with recessive disease (PMID: 10677299; PMID: 15464432; PMID: 17441222; PMID: 22438180; PMID: 14981719). Functional evidence supports a deleterious effect on the gene or gene product (PMID: 10677299; PMID: 15464432; PMID: 17441222; PMID: 22438180; PMID: 14981719). This variant has been recurrently observed in individuals with related phenotype (PMID: 10677299; PMID: 15464432; PMID: 17441222; PMID: 22438180; PMID: 14981719). Multiple computational predictions support a deleterious effect on the gene or gene product. The variant is present at low frequency in population datasets. Based on the available data, this variant is classified as pathogenic.

Natera, Inc.
Classification: Pathogenic for Smith-Lemli-Opitz syndrome. Last evaluated: 2025-12-10. Review status: criteria provided, single submitter. Criteria: Natera Variant Classification Schema (03/2026). Collection method: clinical testing. Allele origin: germline.
Comment: The c.841G>A variant in DHCR7 is a missense variant predicted to cause substitution of valine to methionine at amino acid 281. This variant is rare in the general population with a frequency below the threshold expected for the associated phenotype(s). This variant has been observed in one or more individuals affected with the associated recessive disease, as either homozygous or compound heterozygous with a second variant (PMID: 10677299, 14981719, 11503169). Computational prediction algorithms indicate this variant is likely to affect gene or protein function. Given the available evidence, this variant is classified as Pathogenic.

Labcorp Genetics (formerly Invitae), Labcorp
Classification: Pathogenic for Smith-Lemli-Opitz syndrome. Last evaluated: 2024-11-22. Review status: criteria provided, single submitter. Criteria: Invitae Variant Classification Sherloc (09022015). Collection method: clinical testing. Allele origin: germline.
Comment: This sequence change replaces valine, which is neutral and non-polar, with methionine, which is neutral and non-polar, at codon 281 of the DHCR7 protein (p.Val281Met). This variant is present in population databases (rs398123607, gnomAD 0.07%). This missense change has been observed in individual(s) with clinical features of Smith‚ÄìLemli‚ÄìOpitz syndrome and elevated serum 7-dehydrocholesterol (PMID: 10677299, 14981719, 17441222, 27401223; internal data). In at least one individual the data is consistent with being in trans (on the opposite chromosome) from a pathogenic variant. ClinVar contains an entry for this variant (Variation ID: 93724). Invitae Evidence Modeling of protein sequence and biophysical properties (such as structural, functional, and spatial information, amino acid conservation, physicochemical variation, residue mobility, and thermodynamic stability) indicates that this missense variant is expected to disrupt DHCR7 protein function with a positive predictive value of 95%. For these reasons, this variant has been classified as Pathogenic.

Fulgent Genetics
Classification: Pathogenic for Smith-Lemli-Opitz syndrome. Last evaluated: 2024-01-20. Review status: criteria provided, single submitter. Criteria: ACMG Guidelines, 2015. Collection method: clinical testing. Allele origin: germline.

GeneDx
Classification: Pathogenic. Last evaluated: 2023-11-17. Review status: criteria provided, single submitter. Criteria: GeneDx Variant Classification Process June 2021. Collection method: clinical testing. Allele origin: germline. Affected: yes.
Comment: In silico analysis supports that this missense variant has a deleterious effect on protein structure/function; This variant is associated with the following publications: (PMID: 10677299, 27401223, 14981719, 28250423, 22438180, 17441222, 34308104, 35460704)

Women's Health and Genetics/Laboratory Corporation of America, LabCorp
Classification: Pathogenic for Smith-Lemli-Opitz syndrome. Last evaluated: 2020-11-23. Review status: criteria provided, single submitter. Criteria: LabCorp Variant Classification Summary - May 2015. Collection method: clinical testing. Allele origin: germline.
Comment: Variant summary: DHCR7 c.841G>A (p.Val281Met) results in a conservative amino acid change in the encoded protein sequence. Three of five in-silico tools predict a damaging effect of the variant on protein function. The variant allele was found at a frequency of 0.0001 in 250306 control chromosomes (gnomAD). This frequency is not significantly higher than expected for a pathogenic variant in DHCR7 causing Smith-Lemli-Opitz Syndrome (0.0001 vs 0.0043), allowing no conclusion about variant significance. c.841G>A has been reported in the literature in multiple individuals affected with Smith-Lemli-Opitz Syndrome (example: Nowaczyk_2012, Witsch-Baumgartner_2000). Many of these patients had a mild phenotype. These data indicate that the variant is very likely to be associated with disease. To our knowledge, no experimental evidence demonstrating an impact on protein function has been reported. Six ClinVar submitters (evaluation after 2014) cite the variant as pathogenic/likely pathogenic. Based on the evidence outlined above, the variant was classified as pathogenic.

Revvity Omics, Revvity
Classification: Likely pathogenic for Smith-Lemli-Opitz syndrome. Last evaluated: 2020-04-09. Review status: criteria provided, single submitter. Criteria: ACMG Guidelines, 2015. Collection method: clinical testing. Allele origin: germline.

Genetic Services Laboratory, University of Chicago
Classification: Pathogenic. Last evaluated: 2019-06-04. Review status: criteria provided, single submitter. Criteria: ACMG Guidelines, 2015. Collection method: clinical testing. Allele origin: germline. Affected: yes.
Comment: DNA sequence analysis of the DHCR7 gene demonstrated a sequence change, c.841G>A, in exon 8 that results in an amino acid change, p.Val281Met. This sequence change has been reported in multiple individuals with Smith-Lemli-Opitz syndrome (Witsch-Baumgartner et al., 2000; Boland et al., 2016; Nowalczyk et al., 2004; Waye et al., 2007). This sequence change has been described in the gnomaD database with a low population frequency of 0.01% (dbSNP rs398123607). The p.Val281Met change affects a highly conserved amino acid residue located in a domain of the DHCR7 protein that is known to be functional. The p.Val281Met substitution appears to be deleterious using several in-silico pathogenicity prediction tools (SIFT, PolyPhen2, CADD, REVEL).

Illumina Laboratory Services, Illumina
Classification: Pathogenic for Smith-Lemli-Opitz syndrome. Last evaluated: 2018-08-14. Review status: criteria provided, single submitter. Criteria: ICSL Variant Classification Criteria 09 May 2019. Collection method: clinical testing. Allele origin: germline.
Comment: The DHCR7 c.841G>A (p.Val281Met) missense variant has been reported in a compound heterozygous state in nine individuals affected with Smith-Lemli-Opitz syndrome (SLOS) (Witsch-Baumgartner et al. 2000; Nowaczyk et al. 2004; Nowaczyk et al. 2012; Solomon et al. 2015). In eight of these individuals, the variant was identified in trans with a second missense variant, including a previously described founder variant. These individuals exhibited a mild or moderate-to-severe phenotype. This individual's healthy father was a heterozygous carrier of the p.Val281Met variant, while the healthy mother was heterozygous for the null allele. Control data are unavailable for this variant, which is reported at a frequency of 0.000685 in the Latino population of the Genome Aggregation Database. Based on the evidence, p.Val281Met variant is classified as pathogenic for Smith-Lemli-Opitz syndrome. This variant was observed by ICSL as part of a predisposition screen in an ostensibly healthy population.

Ambry Genetics
Classification: Pathogenic for Inborn genetic diseases. Last evaluated: 2017-03-27. Review status: criteria provided, single submitter. Criteria: Ambry Variant Classification Scheme 2023. Collection method: clinical testing. Allele origin: germline.
Comment: The p.V281M pathogenic mutation (also known as c.841G>A), located in coding exon 6 of the DHCR7 gene, results from a G to A substitution at nucleotide position 841. The valine at codon 281 is replaced by methionine, an amino acid with highly similar properties. In vitro studies have shown this mutation results in protein expression and levels less than 10% of wild-type (Witsch-Baumgartner M et al. Am. J. Hum. Genet., 2000 Feb;66:402-12). This mutation has been reported in a patient with a diagnosis of Smith-Lemli-Opitz syndrome, as determined by clinical and biochemical findings, including decreased cholesterol and elevated levels of 7-dehydrocholesterol (Nowaczyk MJ et al. Am. J. Med. Genet. A, 2004 Mar;125A:173-6). Based on the supporting evidence, this alteration is interpreted as a disease-causing mutation.

Eurofins Ntd Llc (ga)
Classification: Pathogenic. Last evaluated: 2012-10-30. Review status: criteria provided, single submitter. Criteria: EGL Classification Definitions. Collection method: clinical testing. Allele origin: germline. Observed: 3 variant alleles, 3 heterozygotes.

Counsyl
Classification: Likely pathogenic for Smith-Lemli-Opitz syndrome. Last evaluated: 2018-09-26. Review status: no assertion criteria provided. Collection method: clinical testing. Allele origin: unknown. Not counted in ClinVar's aggregate classification.

Literature cited by the submitters: PubMed 10677299 (cited by 7 submitters); PubMed 15464432 (cited by Dasa); PubMed 17441222 (cited by Dasa and Labcorp Genetics (formerly Invitae), Labcorp); PubMed 22438180 (cited by 4 submitters); PubMed 14981719 (cited by 6 submitters); PubMed 11503169 (cited by Natera, Inc.); PubMed 27401223 (cited by Labcorp Genetics (formerly Invitae), Labcorp).

NM_001360.3(DHCR7):c.841G>A (p.Val281Met)

Gene: DHCR7 (7-dehydrocholesterol reductase; minus strand). Cytogenetic location: 11q13.4.
Variant type: single nucleotide variant.
Coding change: c.841G>A on transcript NM_001360.3 (MANE Select); coding-DNA position 841, G replaced by A.
Protein change: p.Val281Met; replaces valine 281 with methionine.
Molecular consequence: missense variant.
Genome position (GRCh38, 1-based): chr11:71,437,934, C>T on the plus strand (G>A on the coding strand, the complement: DHCR7 is on the minus strand). VCF-style: chr11-71437934-C-T. GRCh37 (hg19) VCF-style: chr11-71148980-C-T.
Other names: c.841G>A, p.Val281Met (NM_001163817.2); short protein forms V281M.
Identifiers: ClinVar variation 93724 (VCV000093724.45), dbSNP rs398123607, ClinGen allele CA221680.